The following is an entry in ClinVar:

ClinVar aggregate classification (germline): Uncertain significance. Review status: criteria provided, multiple submitters, no conflicts (2 of 4 stars). 3 submissions from 3 submitters: Uncertain significance (2). 1 of the submissions does not count toward it. Last evaluated 2024-09-07.

Conditions:
BBS2-related disorder. Also called: BBS2-related disorders; BBS2-related condition. Identifiers: MedGen CN239228.
Inborn genetic diseases. Identifiers: MedGen C0950123, MeSH D030342.

Allele frequency attached by ClinVar (database versions not stated): ExAC 0.00001; TOPMed 0.00002; gnomAD 0.00003; gnomAD exomes 0.00003.
gnomAD v4.1: 55 of 1,614,018 alleles (0.0034%); highest among the groups gnomAD compares: Non-Finnish European, 0.004%; no homozygotes.

Submissions (3):

Blueprint Genetics
Classification: Uncertain significance. Last evaluated: 2024-09-07. Review status: criteria provided, single submitter. Criteria: ACMG Guidelines, 2015. Collection method: clinical testing. Allele origin: germline.

Ambry Genetics
Classification: Uncertain significance for Inborn genetic diseases. Last evaluated: 2024-01-08. Review status: criteria provided, single submitter. Criteria: Ambry Variant Classification Scheme 2023. Collection method: clinical testing. Allele origin: germline.

PreventionGenetics, part of Exact Sciences
Classification: Uncertain significance for BBS2-related condition. Last evaluated: 2024-08-05. Review status: no assertion criteria provided. Collection method: clinical testing. Allele origin: germline. Not counted in ClinVar's aggregate classification.
Comment: The BBS2 c.1057C>T variant is predicted to result in the amino acid substitution p.Arg353Cys. To our knowledge, this variant has not been reported in the literature. This variant is reported in 0.0039% of alleles in individuals of European (Non-Finnish) descent in gnomAD. At this time, the clinical significance of this variant is uncertain due to the absence of conclusive functional and genetic evidence.

NM_031885.5(BBS2):c.1057C>T (p.Arg353Cys)

Gene: BBS2 (Bardet-Biedl syndrome 2; minus strand). Cytogenetic location: 16q13.
Variant type: single nucleotide variant.
Coding change: c.1057C>T on transcript NM_031885.5 (MANE Select); coding-DNA position 1057, C replaced by T.
Protein change: p.Arg353Cys; replaces arginine 353 with cysteine.
Molecular consequence: missense variant. On other transcripts: non-coding transcript variant (5).
Genome position (GRCh38, 1-based): chr16:56,502,340, G>A on the plus strand (C>T on the coding strand, the complement: BBS2 is on the minus strand). VCF-style: chr16-56502340-G-A. GRCh37 (hg19) VCF-style: chr16-56536252-G-A.
Other names: c.1057C>T, p.Arg353Cys (NM_001377456.1); short protein forms R353C.
Identifiers: ClinVar variation 3035116 (VCV003035116.4), dbSNP rs777293950, ClinGen allele CA8065843.
Genomic context (GRCh38, chr16:56,502,340, plus strand): 5'-GCCTCCATTACCTGGTCACATTAGGACCTACACCTACCTTGGCATTTTCCTCATAGTTAC[G>A]GAGTTCCAGCAACAGATTCTGCTTCTTCTGACTCAGCTCTCGGATCAGGTCCTGCTCTGC-3'
Protein context (NP_114091.4, residues 343-363): QKKQNLLLEL[Arg353Cys]NYEENAKAEL